The following is an entry in ClinVar:

ClinVar aggregate classification (germline): Likely benign. Review status: criteria provided, multiple submitters, no conflicts (2 of 4 stars). 2 submissions from 2 submitters: Likely benign (2). Last evaluated 2024-12-07.

Conditions:
Charcot-Marie-Tooth disease axonal type 2O. Also called: Charcot-Marie-Tooth disease, axonal, type 20; CHARCOT-MARIE-TOOTH NEUROPATHY, AXONAL, TYPE 2O; CHARCOT-MARIE-TOOTH DISEASE, AXONAL, AUTOSOMAL DOMINANT, TYPE 2O; Charcot-Marie-Tooth Neuropathy Type 2O. Identifiers: Orphanet 284232, MedGen C3280220, MONDO:0013644, OMIM 614228.

Allele frequency attached by ClinVar (database versions not stated): gnomAD exomes 0.00002; ExAC 0.00003; gnomAD 0.00005; TOPMed 0.00005; 1000 Genomes Project 30x 0.00016; 1000 Genomes Project 0.00020.
gnomAD v4.1: 40 of 1,611,790 alleles (0.0025%); highest among the groups gnomAD compares: African/African-American, 0.013%; no homozygotes.

Submissions (2):

Labcorp Genetics (formerly Invitae), Labcorp
Classification: Likely benign for Charcot-Marie-Tooth disease axonal type 2O. Last evaluated: 2024-12-07. Review status: criteria provided, single submitter. Criteria: Invitae Variant Classification Sherloc (09022015). Collection method: clinical testing. Allele origin: germline.

GeneDx
Classification: Likely benign. Last evaluated: 2018-04-30. Review status: criteria provided, single submitter. Criteria: GeneDx Variant Classification (06012015). Collection method: clinical testing. Allele origin: germline. Affected: yes.
Comment: This variant is considered likely benign or benign based on one or more of the following criteria: it is a conservative change, it occurs at a poorly conserved position in the protein, it is predicted to be benign by multiple in silico algorithms, and/or has population frequency not consistent with disease.

NM_001376.5(DYNC1H1):c.4074+15C>T

Gene: DYNC1H1 (dynein cytoplasmic 1 heavy chain 1; plus strand). Cytogenetic location: 14q32.31.
Variant type: single nucleotide variant.
Coding change: c.4074+15C>T on transcript NM_001376.5 (MANE Select); 15 bases into the intron after coding-DNA position 4074, C replaced by T.
Molecular consequence: intron variant.
Genome position (GRCh38, 1-based): chr14:102,000,414, C>T. VCF-style: chr14-102000414-C-T. GRCh37 (hg19) VCF-style: chr14-102466751-C-T.
Identifiers: ClinVar variation 682497 (VCV000682497.6), dbSNP rs553514749, ClinGen allele CA7352151.